The following is an entry in ClinVar:

NM_020964.3(EPG5):c.7199G>A (p.Ser2400Asn)

Gene: EPG5 (ectopic P-granules 5 autophagy tethering factor; minus strand). Cytogenetic location: 18q12.3.
Variant type: single nucleotide variant.
Coding change: c.7199G>A on transcript NM_020964.3 (MANE Select); coding-DNA position 7199, G replaced by A.
Protein change: p.Ser2400Asn; replaces serine 2400 with asparagine.
Molecular consequence: missense variant.
Genome position (GRCh38, 1-based): chr18:45,858,593, C>T on the plus strand (G>A on the coding strand, the complement: EPG5 is on the minus strand). VCF-style: chr18-45858593-C-T. GRCh37 (hg19) VCF-style: chr18-43438558-C-T.
Other names: c.7199G>A (NM_020964.2); short protein forms S2400N.
Identifiers: ClinVar variation 1418322 (VCV001418322.5), dbSNP rs1030476117, ClinGen allele CA299692965.

ClinVar aggregate classification (germline): Uncertain significance. Review status: criteria provided, multiple submitters, no conflicts (2 of 4 stars). 2 submissions from 2 submitters: Uncertain significance (2). Last evaluated 2024-08-14.

Conditions:
Inborn genetic diseases. Identifiers: MedGen C0950123, MeSH D030342.
Vici syndrome (VICIS). Identifiers: Orphanet 1493, MedGen C1855772, MONDO:0009452, OMIM 242840.

Allele frequency attached by ClinVar (database versions not stated): gnomAD exomes below 0.00001 and 0.00001; gnomAD 0.00001 and 0.00002; TOPMed 0.00001.
gnomAD v4.1: 10 of 1,614,066 alleles (0.00062%); highest among the groups gnomAD compares: Middle Eastern, 0.033%; no homozygotes.

Submissions (2):

Ambry Genetics
Classification: Uncertain significance for Inborn genetic diseases. Last evaluated: 2024-08-14. Review status: criteria provided, single submitter. Criteria: Ambry Variant Classification Scheme 2023. Collection method: clinical testing. Allele origin: germline.

Labcorp Genetics (formerly Invitae), Labcorp
Classification: Uncertain significance for Vici syndrome. Last evaluated: 2022-05-12. Review status: criteria provided, single submitter. Criteria: Invitae Variant Classification Sherloc (09022015). Collection method: clinical testing. Allele origin: germline.
Comment: This sequence change replaces serine, which is neutral and polar, with asparagine, which is neutral and polar, at codon 2400 of the EPG5 protein (p.Ser2400Asn). This variant is present in population databases (no rsID available, gnomAD 0.003%). This variant has not been reported in the literature in individuals affected with EPG5-related conditions. Algorithms developed to predict the effect of missense changes on protein structure and function output the following: SIFT: "Tolerated"; PolyPhen-2: "Benign"; Align-GVGD: "Class C0". The asparagine amino acid residue is found in multiple mammalian species, which suggests that this missense change does not adversely affect protein function. In summary, the available evidence is currently insufficient to determine the role of this variant in disease. Therefore, it has been classified as a Variant of Uncertain Significance.